The following is an entry in ClinVar:

ClinVar aggregate classification (germline): Uncertain significance (1 of 4 stars; one submission).

Allele frequency attached by ClinVar (database versions not stated): gnomAD exomes 0.00003 and 0.00004; ExAC 0.00006; gnomAD 0.00006.
gnomAD v4.1: 48 of 1,614,112 alleles (0.003%); highest among the groups gnomAD compares: South Asian, 0.015%; no homozygotes.

Submission:

Labcorp Genetics (formerly Invitae), Labcorp
Classification: Uncertain significance. Last evaluated: 2025-05-23. Review status: criteria provided, single submitter. Criteria: Invitae Variant Classification Sherloc (09022015). Collection method: clinical testing. Allele origin: germline.
Comment: This sequence change replaces valine, which is neutral and non-polar, with isoleucine, which is neutral and non-polar, at codon 201 of the DISP1 protein (p.Val201Ile). This variant is present in population databases (rs772344845, gnomAD 0.02%). This variant has not been reported in the literature in individuals affected with DISP1-related conditions. ClinVar contains an entry for this variant (Variation ID: 1411078). An algorithm developed to predict the effect of missense changes on protein structure and function (PolyPhen-2) suggests that this variant is likely to be tolerated. In summary, the available evidence is currently insufficient to determine the role of this variant in disease. Therefore, it has been classified as a Variant of Uncertain Significance.

NM_001377229.1(DISP1):c.601G>A (p.Val201Ile)

Gene: DISP1 (dispatched RND transporter family member 1; plus strand). Cytogenetic location: 1q41.
Variant type: single nucleotide variant.
Coding change: c.601G>A on transcript NM_001377229.1 (MANE Select); coding-DNA position 601, G replaced by A.
Protein change: p.Val201Ile; replaces valine 201 with isoleucine.
Molecular consequence: missense variant. On other transcripts: 5 prime UTR variant (1).
Genome position (GRCh38, 1-based): chr1:222,990,686, G>A. VCF-style: chr1-222990686-G-A. GRCh37 (hg19) VCF-style: chr1-223164028-G-A.
Other names: c.-287G>A (NM_001350630.2); c.601G>A, p.Val201Ile (NM_001369594.1, NM_001377228.1, NM_032890.5); short protein forms V201I.
Identifiers: ClinVar variation 1411078 (VCV001411078.6), dbSNP rs772344845, ClinGen allele CA1408860.